The following is an entry in ClinVar:

NM_001267550.2(TTN):c.87116_87117dup (p.Glu29040Ter)

Genes: TTN (titin; minus strand), TTN-AS1 (TTN antisense RNA 1; plus strand). Cytogenetic location: 2q31.2.
Variant type: Duplication.
Coding change: c.87116_87117dup on transcript NM_001267550.2 (MANE Select); coding-DNA positions 87116 to 87117, 2 bases duplicated (TA; older notation c.87116_87117dupTA).
Protein change: p.Glu29040Ter; replaces glutamic acid 29040 with a stop codon.
Molecular consequence: nonsense.
Genome position (GRCh38, 1-based): chr2:178,558,342-178,558,343, TA duplicated on the plus strand (TA on the coding strand, the reverse complement: TTN is on the minus strand). VCF-style (leftmost placement, unchanged base first): chr2-178558341-C-CTA. GRCh37 (hg19) VCF-style: chr2-179423068-C-CTA.
Other names: c.82193_82194dup, p.Glu27399Ter (NM_001256850.1); c.59921_59922dup, p.Glu19975Ter (NM_003319.4); c.79412_79413dup, p.Glu26472Ter (NM_133378.4); c.60296_60297dup, p.Glu20100Ter (NM_133432.3); c.60497_60498dup, p.Glu20167Ter (NM_133437.4); short protein forms E19975*, E20100*, E20167*, E26472*, E27399*, E29040*.
Identifiers: ClinVar variation 1068225 (VCV001068225.11), dbSNP rs2154156468, ClinGen allele CA2499215334.

ClinVar aggregate classification (germline): Likely pathogenic (1 of 4 stars; one submission).

Conditions:
Dilated cardiomyopathy 1G (CMD1G). Identifiers: Orphanet 154, MedGen C1858763, MONDO:0011400, OMIM 604145.
Autosomal recessive limb-girdle muscular dystrophy type 2J (LGMDR10). Also called: Limb-girdle muscular dystrophy, type 2J; MUSCULAR DYSTROPHY, LIMB-GIRDLE, AUTOSOMAL RECESSIVE 10. Identifiers: Orphanet 140922, MedGen C1837342, MONDO:0012127, OMIM 608807.

Submission:

Labcorp Genetics (formerly Invitae), Labcorp
Classification: Likely pathogenic for Dilated cardiomyopathy 1G; Autosomal recessive limb-girdle muscular dystrophy type 2J. Last evaluated: 2020-01-06. Review status: criteria provided, single submitter. Criteria: Invitae Variant Classification Sherloc (09022015). Collection method: clinical testing. Allele origin: germline.
Comment: In summary, the currently available evidence indicates that the variant is pathogenic, but additional data are needed to prove that conclusively. Therefore, this variant has been classified as Likely Pathogenic. This variant is located in the A band of TTN (PMID: 25589632). Truncating variants in this region are significantly overrepresented in patients affected with dilated cardiomyopathy (PMID: 25589632). Truncating variants in this region have also been reported in individuals affected with autosomal recessive centronuclear myopathy (PMID: 23975875). This variant has not been reported in the literature in individuals with TTN-related conditions. This variant is not present in population databases (ExAC no frequency). This sequence change results in a premature translational stop signal in the TTN gene (p.Glu29040*). While this is not anticipated to result in nonsense mediated decay, it is expected to create a truncated TTN protein.

Literature cited by the submitters: PubMed 25589632; PubMed 23975875.